The following is an entry in ClinVar:

ClinVar aggregate classification (germline): Conflicting classifications of pathogenicity. Review status: criteria provided, conflicting classifications (1 of 4 stars). 11 submissions from 11 submitters: Uncertain significance (1); Benign (1); Likely benign (6). 3 of the submissions do not count toward it. Last evaluated 2026-02-12.

Conditions:
SLC35C1-related disorder. Also called: SLC35C1-related condition.
Leukocyte adhesion deficiency type II. Also called: CONGENITAL DISORDER OF GLYCOSYLATION, TYPE IIc; CDG IIc; Congenital disorder of glycosylation type 2C; CDG 2C; Leukocyte adhesion deficiency type 2; Rambam Hasharon syndrome. Identifiers: Orphanet 2968, Orphanet 99843, MedGen C0398739, MONDO:0009953, OMIM 266265.
Intellectual disability. Also called: Intellectual developmental disorder; Intellectual functioning disability; intellectual disabilities. Identifiers: MedGen C3714756, MeSH D008607, MONDO:0001071, HP:0001249.

Allele frequency attached by ClinVar (database versions not stated): 1000 Genomes Project 30x 0.00156; 1000 Genomes Project 0.00180; ESP Exome Variant Server 0.00317; TOPMed 0.00364; gnomAD exomes 0.00380; gnomAD 0.00381 and 0.00391; ExAC 0.00538.
gnomAD v4.1: 7,840 of 1,556,504 alleles (0.5%); highest among the groups gnomAD compares: Non-Finnish European, 0.6%; 20 homozygotes.

Submissions (11):

Women's Health and Genetics/Laboratory Corporation of America, LabCorp
Classification: Likely benign. Last evaluated: 2026-02-12. Review status: criteria provided, single submitter. Criteria: LabCorp Variant Classification Summary - May 2015. Collection method: clinical testing. Allele origin: germline.
Comment: Variant summary: SLC35C1 c.1054C>T (p.Pro352Ser) results in a non-conservative amino acid change in the encoded protein sequence. Algorithms developed to predict the effect of missense changes on protein structure and function are either unavailable or do not agree on the potential impact of this missense change. The variant allele was found at a frequency of 0.0038 in 193980 control chromosomes, predominantly at a frequency of 0.0058 within the Non-Finnish European subpopulation in the gnomAD database. The observed variant frequency within Non-Finnish European control individuals in the gnomAD database exceeds the estimated maximal expected allele frequency for disease-causing variants in SLC35C1. To our knowledge, no occurrence of c.1054C>T in individuals affected with SLC35C1-related conditions and no experimental evidence demonstrating its impact on protein function have been reported. ClinVar contains an entry for this variant (Variation ID: 252721). Based on the evidence outlined above, the variant was classified as likely benign.

Labcorp Genetics (formerly Invitae), Labcorp
Classification: Likely benign for Leukocyte adhesion deficiency type II. Last evaluated: 2026-02-04. Review status: criteria provided, single submitter. Criteria: Invitae Variant Classification Sherloc (09022015). Collection method: clinical testing. Allele origin: germline.

CeGaT Center for Human Genetics Tuebingen
Classification: Likely benign. Last evaluated: 2025-06-01. Review status: criteria provided, single submitter. Criteria: CeGaT Center For Human Genetics Tuebingen Variant Classification Criteria Version 2. Collection method: clinical testing. Allele origin: germline. Affected: yes. Observed: 6 variant alleles.
Comment: SLC35C1: BP4, BS2

Blueprint Genetics
Classification: Likely benign. Last evaluated: 2024-11-26. Review status: criteria provided, single submitter. Criteria: ACMG Guidelines, 2015. Collection method: clinical testing. Allele origin: germline.

Cambridge Genomics Laboratory, East Genomic Laboratory Hub, NHS Genomic Medicine Service
Classification: Likely benign for Intellectual disability. Last evaluated: 2020-03-30. Review status: criteria provided, single submitter. Criteria: ACGS Best Practice Guidelines for Variant Classification in Rare Disease 2020. Collection method: clinical testing. Allele origin: germline. Affected: yes. Observed: 1 variant allele.

GeneDx
Classification: Benign. Last evaluated: 2020-02-14. Review status: criteria provided, single submitter. Criteria: GeneDx Variant Classification Process June 2021. Collection method: clinical testing. Allele origin: germline. Affected: yes.

Illumina Laboratory Services, Illumina
Classification: Uncertain significance for Leukocyte adhesion deficiency type II. Last evaluated: 2018-01-13. Review status: criteria provided, single submitter. Criteria: ICSL Variant Classification Criteria 13 December 2019. Collection method: clinical testing. Allele origin: germline.

Genomic Diagnostic Laboratory, Division of Genomic Diagnostics, Children's Hospital of Philadelphia
Classification: Likely benign. Last evaluated: 2015-11-16. Review status: criteria provided, single submitter. Criteria: DGD Variant Analysis Guidelines. Collection method: clinical testing. Allele origin: unknown.

PreventionGenetics, part of Exact Sciences
Classification: Likely benign for SLC35C1-related condition. Last evaluated: 2019-09-26. Review status: no assertion criteria provided. Collection method: clinical testing. Allele origin: germline. Not counted in ClinVar's aggregate classification.
Comment: This variant is classified as likely benign based on ACMG/AMP sequence variant interpretation guidelines (Richards et al. 2015 PMID: 25741868, with internal and published modifications).

Clinical Genetics DNA and cytogenetics Diagnostics Lab, Erasmus MC, Erasmus Medical Center
Classification: Likely benign. Review status: no assertion criteria provided. Collection method: clinical testing. Allele origin: germline. Affected: yes. Study: VKGL Data-share Consensus. Not counted in ClinVar's aggregate classification.

Genome Diagnostics Laboratory, University Medical Center Utrecht
Classification: Likely benign. Review status: no assertion criteria provided. Collection method: clinical testing. Allele origin: germline. Affected: yes. Study: VKGL Data-share Consensus. Not counted in ClinVar's aggregate classification.

NM_018389.5(SLC35C1):c.1054C>T (p.Pro352Ser)

Gene: SLC35C1 (solute carrier family 35 member C1; plus strand). Cytogenetic location: 11p11.2.
Variant type: single nucleotide variant.
Coding change: c.1054C>T on transcript NM_018389.5 (MANE Select); coding-DNA position 1054, C replaced by T.
Protein change: p.Pro352Ser; replaces proline 352 with serine.
Molecular consequence: missense variant.
Genome position (GRCh38, 1-based): chr11:45,811,294, C>T. VCF-style: chr11-45811294-C-T. GRCh37 (hg19) VCF-style: chr11-45832845-C-T.
Other names: c.1015C>T, p.Pro339Ser (NM_001145265.2, NM_001145266.2); short protein forms P352S, P339S.
Identifiers: ClinVar variation 252721 (VCV000252721.47), dbSNP rs145613857, ClinGen allele CA5958390.
Genomic context (GRCh38, chr11:45,811,294, plus strand): 5'-GGCGGCTCCTCCGCCTACACCTGGGTCAGGGGCTGGGAGATGAAGAAGACTCCGGAGGAG[C>T]CCAGCCCCAAAGACAGCGAGAAGAGCGCCATGGGGGTGTGAGCACCACAGGCACCCTGGA-3'
Protein context (NP_060859.4, residues 342-362): GWEMKKTPEE[Pro352Ser]SPKDSEKSAM